The following is an entry in ClinVar:

NM_032043.3(BRIP1):c.2022T>A (p.Asp674Glu)

Gene: BRIP1 (BRCA1 interacting DNA helicase 1; minus strand). Cytogenetic location: 17q23.2.
Variant type: single nucleotide variant.
Coding change: c.2022T>A on transcript NM_032043.3 (MANE Select); coding-DNA position 2022, T replaced by A.
Protein change: p.Asp674Glu; replaces aspartic acid 674 with glutamic acid.
Molecular consequence: missense variant.
Genome position (GRCh38, 1-based): chr17:61,776,476, A>T on the plus strand (T>A on the coding strand, the complement: BRIP1 is on the minus strand). VCF-style: chr17-61776476-A-T. GRCh37 (hg19) VCF-style: chr17-59853837-A-T.
Other names: short protein forms D674E.
Identifiers: ClinVar variation 489820 (VCV000489820.6), dbSNP rs1555601084, ClinGen allele CA400478299.

ClinVar aggregate classification (germline): Uncertain significance (1 of 4 stars; one submission).

Conditions:
Hereditary cancer-predisposing syndrome. Also called: Hereditary Cancer Syndrome; Neoplastic Syndromes, Hereditary; Tumor predisposition; Hereditary neoplastic syndrome. Identifiers: Orphanet 140162, MedGen C0027672, MeSH D009386, MONDO:0015356.

Submission:

Color Diagnostics, LLC DBA Color Health
Classification: Uncertain significance for Hereditary cancer-predisposing syndrome. Last evaluated: 2023-12-05. Review status: criteria provided, single submitter. Criteria: ACMG Guidelines, 2015. Collection method: clinical testing. Allele origin: germline.
Comment: This missense variant replaces aspartic acid with glutamic acid at codon 674 of the BRIP1 protein. Computational prediction suggests that this variant may not impact protein structure and function (internally defined REVEL score threshold <= 0.5, PMID: 27666373). To our knowledge, functional studies have not been reported for this variant. This variant has not been reported in individuals affected with BRIP1-related disorders in the literature. This variant has not been identified in the general population by the Genome Aggregation Database (gnomAD). The available evidence is insufficient to determine the role of this variant in disease conclusively. Therefore, this variant is classified as a Variant of Uncertain Significance.